The following is an entry in ClinVar:

ClinVar aggregate classification (germline): Uncertain significance (1 of 4 stars; one submission).

Conditions:
Cardiovascular phenotype. Identifiers: MedGen CN230736.

Submission:

Ambry Genetics
Classification: Uncertain significance for Cardiovascular phenotype. Last evaluated: 2023-04-17. Review status: criteria provided, single submitter. Criteria: Ambry Variant Classification Scheme 2023. Collection method: clinical testing. Allele origin: germline.
Comment: The p.Y2390H variant (also known as c.7168T>C), located in coding exon 49 of the DMD gene, results from a T to C substitution at nucleotide position 7168. The tyrosine at codon 2390 is replaced by histidine, an amino acid with similar properties. This amino acid position is highly conserved in available vertebrate species. In addition, the in silico prediction for this alteration is inconclusive. Since supporting evidence is limited at this time, the clinical significance of this alteration remains unclear.

NM_004006.3(DMD):c.7168T>C (p.Tyr2390His)

Gene: DMD (dystrophin; minus strand). Cytogenetic location: Xp21.1.
Variant type: single nucleotide variant.
Coding change: c.7168T>C on transcript NM_004006.3 (MANE Select); coding-DNA position 7168, T replaced by C.
Protein change: p.Tyr2390His; replaces tyrosine 2390 with histidine.
Molecular consequence: missense variant. On other transcripts: 5 prime UTR variant (5).
Genome position (GRCh38, 1-based): chrX:31,836,750, A>G on the plus strand (T>C on the coding strand, the complement: DMD is on the minus strand). VCF-style: chrX-31836750-A-G. GRCh37 (hg19) VCF-style: chrX-31854867-A-G.
Other names: c.7144T>C, p.Tyr2382His (NM_000109.4); c.7156T>C, p.Tyr2386His (NM_004009.3); c.6799T>C, p.Tyr2267His (NM_004010.3); c.3145T>C, p.Tyr1049His (NM_004011.4); c.3136T>C, p.Tyr1046His (NM_004012.4); c.-213T>C (NM_004013.3, NM_004020.4, NM_004021.3 and 2 more transcripts); short protein forms Y2267H, Y2382H, Y2390H, Y1049H, Y1046H, Y2386H.
Identifiers: ClinVar variation 2565092 (VCV002565092.2), dbSNP rs2531879635, ClinGen allele CA412659284.